The following is an entry in ClinVar:

ClinVar aggregate classification (germline): Benign. Review status: criteria provided, multiple submitters, no conflicts (2 of 4 stars). 5 submissions from 5 submitters: Benign (3). 2 of the submissions do not count toward it. Last evaluated 2026-02-04.

Conditions:
Bardet-Biedl syndrome (BBS). Identifiers: Orphanet 110, MedGen C0752166, MONDO:0015229.
Bardet-Biedl syndrome 12 (BBS12). Identifiers: Orphanet 110, MedGen C1859570, MONDO:0014440, OMIM 615989.
BBS12-related disorder. Also called: BBS12-related condition.

Allele frequency attached by ClinVar (database versions not stated): gnomAD 0.00069 and 0.00104; gnomAD exomes 0.00090 and 0.00201; TOPMed 0.00100; ExAC 0.00204; 1000 Genomes Project 30x 0.00562; 1000 Genomes Project 0.00639.
gnomAD v4.1: 1,479 of 1,614,248 alleles (0.092%); highest among the groups gnomAD compares: East Asian, 3.1%; 23 homozygotes.

Submissions (5):

Labcorp Genetics (formerly Invitae), Labcorp
Classification: Benign for Bardet-Biedl syndrome. Last evaluated: 2026-02-04. Review status: criteria provided, single submitter. Criteria: Invitae Variant Classification Sherloc (09022015). Collection method: clinical testing. Allele origin: germline.

Illumina Laboratory Services, Illumina
Classification: Benign for Bardet-Biedl syndrome 12. Last evaluated: 2018-01-13. Review status: criteria provided, single submitter. Criteria: ICSL Variant Classification Criteria 13 December 2019. Collection method: clinical testing. Allele origin: germline.
Comment: This variant was observed in the ICSL laboratory as part of a predisposition screen in an ostensibly healthy population. It had not been previously curated by ICSL or reported in the Human Gene Mutation Database (HGMD: prior to June 1st, 2018), and was therefore a candidate for classification through an automated scoring system. Utilizing variant allele frequency, disease prevalence and penetrance estimates, and inheritance mode, an automated score was calculated to assess if this variant is too frequent to cause the disease. Based on the score and internal cut-off values, a variant classified as benign is not then subjected to further curation. The score for this variant resulted in a classification of benign for this disease.

Breakthrough Genomics
Classification: Benign. Review status: criteria provided, single submitter. Criteria: ACMG Guidelines, 2015. Collection method: not provided. Allele origin: germline. Inheritance: Autosomal recessive inheritance. Affected: yes.

PreventionGenetics, part of Exact Sciences
Classification: Benign for BBS12-related condition. Last evaluated: 2024-07-23. Review status: no assertion criteria provided. Collection method: clinical testing. Allele origin: germline. Not counted in ClinVar's aggregate classification.
Comment: This variant is classified as benign based on ACMG/AMP sequence variant interpretation guidelines (Richards et al. 2015 PMID: 25741868, with internal and published modifications).

Natera, Inc.
Classification: Benign for Bardet-Biedl syndrome type 12. Last evaluated: 2019-10-28. Review status: no assertion criteria provided. Collection method: clinical testing. Allele origin: germline. Not counted in ClinVar's aggregate classification.

NM_152618.3(BBS12):c.1207G>A (p.Val403Met)

Gene: BBS12 (Bardet-Biedl syndrome 12; plus strand). Cytogenetic location: 4q27.
Variant type: single nucleotide variant.
Coding change: c.1207G>A on transcript NM_152618.3 (MANE Select); coding-DNA position 1207, G replaced by A.
Protein change: p.Val403Met; replaces valine 403 with methionine.
Molecular consequence: missense variant.
Genome position (GRCh38, 1-based): chr4:122,743,099, G>A. VCF-style: chr4-122743099-G-A. GRCh37 (hg19) VCF-style: chr4-123664254-G-A.
Other names: c.1207G>A, p.Val403Met (NM_001178007.2); short protein forms V403M.
Identifiers: ClinVar variation 347500 (VCV000347500.18), dbSNP rs78000298, ClinGen allele CA3069399.